The following is an entry in ClinVar:

NM_020207.7(ERCC6L2):c.3373_3378dup (p.Asn1126_Val1127insGlnAsn)

Gene: ERCC6L2 (ERCC excision repair 6 like 2; plus strand). Cytogenetic location: 9q22.32.
Variant type: Duplication.
Coding change: c.3373_3378dup on transcript NM_020207.7 (MANE Select); coding-DNA positions 3373 to 3378, 6 bases duplicated (CAGAAT; older notation c.3373_3378dupCAGAAT).
Protein change: p.Asn1126_Val1127insGlnAsn.
Molecular consequence: inframe insertion. On other transcripts: non-coding transcript variant (1).
Genome position (GRCh38, 1-based): chr9:95,978,096-95,978,101, CAGAAT duplicated. VCF-style (leftmost placement, unchanged base first): chr9-95978095-C-CCAGAAT. GRCh37 (hg19) VCF-style: chr9-98740377-C-CCAGAAT.
Other names: c.3373_3378dup, p.Asn1126_Val1127insGlnAsn (NM_001375291.1, NM_001375292.1, NM_001375293.1 and 1 more transcripts).
Identifiers: ClinVar variation 4725410 (VCV004725410.1).

ClinVar aggregate classification (germline): Uncertain significance (1 of 4 stars; one submission).

Submission:

Labcorp Genetics (formerly Invitae), Labcorp
Classification: Uncertain significance. Last evaluated: 2025-08-13. Review status: criteria provided, single submitter. Criteria: Invitae Variant Classification Sherloc (09022015). Collection method: clinical testing. Allele origin: germline.
Comment: This variant, c.3406_3411dup, results in the insertion of 2 amino acid(s) of the ERCC6L2 protein (p.Gln1136_Asn1137dup), but otherwise preserves the integrity of the reading frame. This variant is not present in population databases (gnomAD no frequency). This variant has not been reported in the literature in individuals affected with ERCC6L2-related conditions. In summary, the available evidence is currently insufficient to determine the role of this variant in disease. Therefore, it has been classified as a Variant of Uncertain Significance.